The following is an entry in ClinVar:

ClinVar aggregate classification (germline): Likely benign. Review status: criteria provided, multiple submitters, no conflicts (2 of 4 stars). 2 submissions from 2 submitters: Likely benign (2). Last evaluated 2018-06-14.

Allele frequency attached by ClinVar (database versions not stated): gnomAD 0.00433 and 0.00466; TOPMed 0.00487; 1000 Genomes Project 30x 0.00500; 1000 Genomes Project 0.00559.
gnomAD v4.1: 653 of 152,266 alleles (0.43%); highest among the groups gnomAD compares: African/African-American, 1.5%; 9 homozygotes.

Submissions (2):

GeneDx
Classification: Likely benign. Last evaluated: 2018-06-14. Review status: criteria provided, single submitter. Criteria: GeneDx Variant Classification (06012015). Collection method: clinical testing. Allele origin: germline. Affected: yes.
Comment: This variant is considered likely benign or benign based on one or more of the following criteria: it is a conservative change, it occurs at a poorly conserved position in the protein, it is predicted to be benign by multiple in silico algorithms, and/or has population frequency not consistent with disease.

Breakthrough Genomics
Classification: Likely benign. Review status: criteria provided, single submitter. Criteria: ACMG Guidelines, 2015. Collection method: not provided. Allele origin: germline. Inheritance: Autosomal recessive inheritance. Affected: yes.

NM_001457.4(FLNB):c.5181+161G>A

Gene: FLNB (filamin B; plus strand). Cytogenetic location: 3p14.3.
Variant type: single nucleotide variant.
Coding change: c.5181+161G>A on transcript NM_001457.4 (MANE Select); 161 bases into the intron after coding-DNA position 5181, G replaced by A.
Molecular consequence: intron variant.
Genome position (GRCh38, 1-based): chr3:58,142,090, G>A. VCF-style: chr3-58142090-G-A. GRCh37 (hg19) VCF-style: chr3-58127817-G-A.
Other names: c.5274+161G>A (NM_001164317.2); c.5148+194G>A (NM_001164318.2); c.5110-560G>A (NM_001164319.2).
Identifiers: ClinVar variation 671126 (VCV000671126.2), dbSNP rs11130614, ClinGen allele CA75464417.